The following is an entry in ClinVar:

NM_024422.6(DSC2):c.2314G>A (p.Val772Met)

Gene: DSC2 (desmocollin 2; minus strand). Cytogenetic location: 18q12.1.
Variant type: single nucleotide variant.
Coding change: c.2314G>A on transcript NM_024422.6 (MANE Select); coding-DNA position 2314, G replaced by A.
Protein change: p.Val772Met; replaces valine 772 with methionine.
Molecular consequence: missense variant.
Genome position (GRCh38, 1-based): chr18:31,069,088, C>T on the plus strand (G>A on the coding strand, the complement: DSC2 is on the minus strand). VCF-style: chr18-31069088-C-T. GRCh37 (hg19) VCF-style: chr18-28649054-C-T.
Other names: p.V772M:GTG>ATG; p.Val772Met; c.2314G>A, p.Val772Met (NM_004949.5); short protein forms V772M.
Identifiers: ClinVar variation 191620 (VCV000191620.19), dbSNP rs146029947, ClinGen allele CA022660.

ClinVar aggregate classification (germline): Conflicting classifications of pathogenicity. Review status: criteria provided, conflicting classifications (1 of 4 stars). 7 submissions from 7 submitters: Uncertain significance (3); Benign (1); Likely benign (3). Last evaluated 2026-02-03.

Conditions:
Cardiovascular phenotype. Identifiers: MedGen CN230736.
Familial isolated arrhythmogenic right ventricular dysplasia. Identifiers: Orphanet 217656, MedGen C4274968, MONDO:0016342.
Arrhythmogenic right ventricular dysplasia 11. Also called: Arrhythmogenic right ventricular dysplasia 11 with mild palmoplantar keratoderma and woolly hair; Arrhythmogenic Right Ventricular Dysplasia/Cardiomyopathy11; ARRHYTHMOGENIC RIGHT VENTRICULAR DYSPLASIA, FAMILIAL, 11. Identifiers: MedGen C1864850, MONDO:0012506, OMIM 610476.
Cardiomyopathy (CMYO). Also called: Cardiomyopathies. Identifiers: Orphanet 167848, MedGen C0878544, MONDO:0004994, HP:0001638. Inheritance: Various modes of inheritance.

Allele frequency attached by ClinVar (database versions not stated): gnomAD exomes 0.00008; gnomAD 0.00009 and 0.00010; ESP Exome Variant Server 0.00031; TOPMed 0.00011; ExAC 0.00007.
gnomAD v4.1: 260 of 1,613,980 alleles (0.016%); highest among the groups gnomAD compares: Non-Finnish European, 0.02%; no homozygotes.

Submissions (7):

Labcorp Genetics (formerly Invitae), Labcorp
Classification: Likely benign for Arrhythmogenic right ventricular dysplasia 11. Last evaluated: 2026-02-03. Review status: criteria provided, single submitter. Criteria: Invitae Variant Classification Sherloc (09022015). Collection method: clinical testing. Allele origin: germline.

Color Diagnostics, LLC DBA Color Health
Classification: Likely benign for Cardiomyopathy. Last evaluated: 2024-08-27. Review status: criteria provided, single submitter. Criteria: ACMG Guidelines, 2015. Collection method: clinical testing. Allele origin: germline.

Mayo Clinic Laboratories, Mayo Clinic
Classification: Uncertain significance. Last evaluated: 2024-03-07. Review status: criteria provided, single submitter. Criteria: ACMG Guidelines, 2015. Collection method: clinical testing. Allele origin: germline. Observed: 1 variant allele.
Comment: BP4

All of Us Research Program, National Institutes of Health
Classification: Likely benign for Familial isolated arrhythmogenic right ventricular dysplasia. Last evaluated: 2023-12-13. Review status: criteria provided, single submitter. Criteria: ACMG Guidelines, 2015. Collection method: clinical testing. Allele origin: germline. Inheritance: Autosomal dominant inheritance. Observed: 28 variant alleles, 28 heterozygotes.
Comment: This study involves interpretation of variants in research participants for the purpose of population health screening. Participant phenotype was not available at the time of variant classification. Additional details can be found in publication PMID: 35346344, PMCID: PMC8962531

GeneDx
Classification: Uncertain significance. Last evaluated: 2022-11-17. Review status: criteria provided, single submitter. Criteria: GeneDx Variant Classification Process June 2021. Collection method: clinical testing. Allele origin: germline. Affected: yes.
Comment: In silico analysis supports that this missense variant does not alter protein structure/function; Reported in a cohort of individuals not selected for a history of arrhythmia, cardiomyopathy, or family history of sudden cardiac death who underwent exome analysis (Ng et al., 2013); clinical details were not provided; This variant is associated with the following publications: (PMID: 23861362)

Ambry Genetics
Classification: Benign for Cardiovascular phenotype. Last evaluated: 2022-01-06. Review status: criteria provided, single submitter. Criteria: Ambry Variant Classification Scheme 2023. Collection method: clinical testing. Allele origin: germline.

Biesecker Lab/Clinical Genomics Section, National Institutes of Health
Classification: Uncertain significance. Last evaluated: 2013-06-24. Review status: criteria provided, single submitter. Criteria: Ng et al. (Circ Cardiovasc Genet. 2013). Collection method: research. Allele origin: unknown. Observed: 1 variant allele. Study: ClinSeq.
Comment: The study set was not selected for affection status in relation to any cancer. Pathogenicity categories were based on literature curation. See Pubmed ID:23861362 for details.

Medical sequencing

Literature cited by the submitters: PubMed 23861362 (cited by Ambry Genetics); PubMed 29590070 (cited by Ambry Genetics).